The following is an entry in ClinVar:

NM_000051.4(ATM):c.4452G>A (p.Met1484Ile)

Gene: ATM (ATM serine/threonine kinase; plus strand). Cytogenetic location: 11q22.3.
Variant type: single nucleotide variant.
Coding change: c.4452G>A on transcript NM_000051.4 (MANE Select); coding-DNA position 4452, G replaced by A.
Protein change: p.Met1484Ile; replaces methionine 1484 with isoleucine.
Molecular consequence: missense variant.
Genome position (GRCh38, 1-based): chr11:108,292,634, G>A. VCF-style: chr11-108292634-G-A. GRCh37 (hg19) VCF-style: chr11-108163361-G-A.
Other names: c.4452G>A, p.Met1484Ile (NM_001351834.2); short protein forms M1484I.
Identifiers: ClinVar variation 3656550 (VCV003656550.2).

ClinVar aggregate classification (germline): Uncertain significance (1 of 4 stars; one submission).

Conditions:
Ataxia-telangiectasia syndrome (AT). Also called: LOUIS-BAR SYNDROME; Cerebello-oculocutaneous telangiectasia; Immunodeficiency with ataxia telangiectasia; ATAXIA-TELANGIECTASIA, COMPLEMENTATION GROUP A; ATAXIA-TELANGIECTASIA, FRESNO VARIANT; Ataxia-telangiectasia, complementation group D. Identifiers: Orphanet 100, MedGen C0004135, MONDO:0008840, OMIM 208900.

Submission:

Labcorp Genetics (formerly Invitae), Labcorp
Classification: Uncertain significance for Ataxia-telangiectasia syndrome. Last evaluated: 2024-06-13. Review status: criteria provided, single submitter. Criteria: Invitae Variant Classification Sherloc (09022015). Collection method: clinical testing. Allele origin: germline.
Comment: This sequence change replaces methionine, which is neutral and non-polar, with isoleucine, which is neutral and non-polar, at codon 1484 of the ATM protein (p.Met1484Ile). This variant is not present in population databases (gnomAD no frequency). This variant has not been reported in the literature in individuals affected with ATM-related conditions. An algorithm developed to predict the effect of missense changes on protein structure and function (PolyPhen-2) suggests that this variant is likely to be tolerated. Algorithms developed to predict the effect of sequence changes on RNA splicing suggest that this variant may disrupt the consensus splice site. In summary, the available evidence is currently insufficient to determine the role of this variant in disease. Therefore, it has been classified as a Variant of Uncertain Significance.